The following is an entry in ClinVar:

ClinVar aggregate classification (germline): Conflicting classifications of pathogenicity. Review status: criteria provided, conflicting classifications (1 of 4 stars). 2 submissions from 2 submitters: Uncertain significance (1); Likely benign (1). Last evaluated 2026-09-03.

Conditions:
CHARGE syndrome (CHARGE). Also called: Hittner Hirsch Kreh syndrome; CHARGE ASSOCIATION--COLOBOMA, HEART ANOMALY, CHOANAL ATRESIA, RETARDATION, GENITAL AND EAR ANOMALIES; Coloboma, heart anomaly, choanal atresia, retardation, genital and ear anomalies; CHARGE association; Hall-Hittner syndrome. Identifiers: Orphanet 138, MedGen C0265354, MONDO:0008965.
CHD7-related disorder. Also called: CHD7-related condition.

Allele frequency attached by ClinVar (database versions not stated): gnomAD exomes 0.00003; TOPMed 0.00004; gnomAD 0.00005.
gnomAD v4.1: 47 of 1,563,114 alleles (0.003%); highest among the groups gnomAD compares: Non-Finnish European, 0.0036%; no homozygotes.

Submissions (2):

PreventionGenetics, part of Exact Sciences
Classification: Uncertain significance for CHD7-related condition. Last evaluated: 2026-09-03. Review status: criteria provided, single submitter. Criteria: ACMG Guidelines, 2015. Collection method: clinical testing. Allele origin: germline.
Comment: The CHD7 c.1956C>A variant is predicted to result in the amino acid substitution p.Asp652Glu. To our knowledge, this variant has not been reported in the literature. This variant is reported in 0.0023% of alleles in individuals of European (Non-Finnish) descent in gnomAD. At this time, the clinical significance of this variant is uncertain due to the absence of conclusive functional and genetic evidence.

Labcorp Genetics (formerly Invitae), Labcorp
Classification: Likely benign for CHARGE syndrome. Last evaluated: 2025-12-03. Review status: criteria provided, single submitter. Criteria: Invitae Variant Classification Sherloc (09022015). Collection method: clinical testing. Allele origin: germline.

NM_017780.4(CHD7):c.1956C>A (p.Asp652Glu)

Genes: CHD7 (chromodomain helicase DNA binding protein 7; plus strand), LOC126860403 (CDK7 strongly-dependent group 2 enhancer GRCh37_chr8:61693034-61694233; plus strand). Cytogenetic location: 8q12.2.
Variant type: single nucleotide variant.
Coding change: c.1956C>A on transcript NM_017780.4 (MANE Select); coding-DNA position 1956, C replaced by A.
Protein change: p.Asp652Glu; replaces aspartic acid 652 with glutamic acid.
Molecular consequence: missense variant. On other transcripts: intron variant (1).
Genome position (GRCh38, 1-based): chr8:60,781,290, C>A. VCF-style: chr8-60781290-C-A. GRCh37 (hg19) VCF-style: chr8-61693849-C-A.
Other names: c.1956C>A (NM_017780.3); c.1716+240C>A (NM_001316690.1); short protein forms D652E.
Identifiers: ClinVar variation 1906715 (VCV001906715.6), dbSNP rs1276509961, ClinGen allele CA371313189.
Genomic context (GRCh38, chr8:60,781,290, plus strand): 5'-CTCACTGGATGGGTCCCAAGAAGAAAAAAAGAAAAAGAAAAGGTCAAAGGCAAAAAAAGA[C>A]CCGAAGGAACCGAAAGAACCCAAGGAGAAAAAAGAGCCCAAGGAACCCAAGACCCCGAAA-3'
Protein context (NP_060250.2, residues 642-662): KKKKRSKAKK[Asp652Glu]PKEPKEPKEK